The following is an entry in ClinVar:

NM_032861.4(SERAC1):c.808A>G (p.Thr270Ala)

Gene: SERAC1 (serine active site containing 1; minus strand). Cytogenetic location: 6q25.3.
Variant type: single nucleotide variant.
Coding change: c.808A>G on transcript NM_032861.4 (MANE Select); coding-DNA position 808, A replaced by G.
Protein change: p.Thr270Ala; replaces threonine 270 with alanine.
Molecular consequence: missense variant.
Genome position (GRCh38, 1-based): chr6:158,130,417, T>C on the plus strand (A>G on the coding strand, the complement: SERAC1 is on the minus strand). VCF-style: chr6-158130417-T-C. GRCh37 (hg19) VCF-style: chr6-158551449-T-C.
Other names: short protein forms T270A.
Identifiers: ClinVar variation 2053811 (VCV002053811.4), dbSNP rs1784647003, ClinGen allele CA366260590.

ClinVar aggregate classification (germline): Uncertain significance (1 of 4 stars; one submission).

Conditions:
3-methylglutaconic aciduria with deafness, encephalopathy, and Leigh-like syndrome (MEGDEL). Also called: 3-METHYLGLUTACONIC ACIDURIA, TYPE VI; SERAC1 Deficiency; MEGDEL syndrome. Identifiers: Orphanet 352328, MedGen C4040739, MONDO:0013875, OMIM 614739.

Allele frequency attached by ClinVar (database versions not stated): TOPMed below 0.00001; gnomAD exomes 0.00001.
gnomAD v4.1: 3 of 1,603,258 alleles (0.00019%); highest among the groups gnomAD compares: Admixed American, 0.0052%; no homozygotes.

Submission:

Labcorp Genetics (formerly Invitae), Labcorp
Classification: Uncertain significance for 3-methylglutaconic aciduria with deafness, encephalopathy, and Leigh-like syndrome. Last evaluated: 2024-10-15. Review status: criteria provided, single submitter. Criteria: Invitae Variant Classification Sherloc (09022015). Collection method: clinical testing. Allele origin: germline.
Comment: This sequence change replaces threonine, which is neutral and polar, with alanine, which is neutral and non-polar, at codon 270 of the SERAC1 protein (p.Thr270Ala). This variant is not present in population databases (gnomAD no frequency). This variant has not been reported in the literature in individuals affected with SERAC1-related conditions. ClinVar contains an entry for this variant (Variation ID: 2053811). Invitae Evidence Modeling of protein sequence and biophysical properties (such as structural, functional, and spatial information, amino acid conservation, physicochemical variation, residue mobility, and thermodynamic stability) indicates that this missense variant is not expected to disrupt SERAC1 protein function with a negative predictive value of 80%. In summary, the available evidence is currently insufficient to determine the role of this variant in disease. Therefore, it has been classified as a Variant of Uncertain Significance.